The following is an entry in ClinVar:

NM_018136.5(ASPM):c.441+14C>T

Gene: ASPM (assembly factor for spindle microtubules; minus strand). Cytogenetic location: 1q31.3.
Variant type: single nucleotide variant.
Coding change: c.441+14C>T on transcript NM_018136.5 (MANE Select); 14 bases into the intron after coding-DNA position 441, C replaced by T.
Molecular consequence: intron variant.
Genome position (GRCh38, 1-based): chr1:197,143,943, G>A on the plus strand (C>T on the coding strand, the complement: ASPM is on the minus strand). VCF-style: chr1-197143943-G-A. GRCh37 (hg19) VCF-style: chr1-197113073-G-A.
Other names: c.441+14C>T (NM_001206846.2).
Identifiers: ClinVar variation 95888 (VCV000095888.32), dbSNP rs1571964, ClinGen allele CA149005.
Genomic context (GRCh38, chr1:197,143,943, plus strand): 5'-CCTGTTATCAAAATAAGTTTTATTTATTATTAAACAATTTCTTAGAGTAAATCACAGAAT[G>A]GTTAAAACATTACCTTTTTCTTTTTCTGCTCTTCTGCATTTCCTAGTAATATAGCTTGGT-3'

ClinVar aggregate classification (germline): Benign/Likely benign. Review status: criteria provided, multiple submitters, no conflicts (2 of 4 stars). 12 submissions from 12 submitters: Benign (8); Likely benign (2). 2 of the submissions do not count toward it. Last evaluated 2026-02-04.

Conditions:
Microcephaly 5, primary, autosomal recessive (MCPH5). Also called: ASPM Primary Microcephaly. Identifiers: Orphanet 2512, MedGen C1837501, MONDO:0012106, OMIM 608716.

Allele frequency attached by ClinVar (database versions not stated): ESP Exome Variant Server 0.73024; 1000 Genomes Project 30x 0.74079; TOPMed 0.74126; gnomAD 0.74895 and 0.76088; 1000 Genomes Project 0.75559; ExAC 0.87038; gnomAD exomes 0.87984 and 0.89370.
gnomAD v4.1: 1,402,263 of 1,592,502 alleles (88%); highest among the groups gnomAD compares: East Asian, 98%; 628,380 homozygotes.

Submissions (12):

Labcorp Genetics (formerly Invitae), Labcorp
Classification: Benign. Last evaluated: 2026-02-04. Review status: criteria provided, single submitter. Criteria: Invitae Variant Classification Sherloc (09022015). Collection method: clinical testing. Allele origin: germline.

Blueprint Genetics
Classification: Benign. Last evaluated: 2024-11-26. Review status: criteria provided, single submitter. Criteria: ACMG Guidelines, 2015. Collection method: clinical testing. Allele origin: germline.

Genome-Nilou Lab
Classification: Benign for Microcephaly 5, primary, autosomal recessive. Last evaluated: 2021-07-14. Review status: criteria provided, single submitter. Criteria: ACMG Guidelines, 2015. Collection method: clinical testing. Allele origin: germline. Affected: no.

Illumina Laboratory Services, Illumina
Classification: Benign for Microcephaly 5, primary, autosomal recessive. Last evaluated: 2018-01-12. Review status: criteria provided, single submitter. Criteria: ICSL Variant Classification Criteria 13 December 2019. Collection method: clinical testing. Allele origin: germline.
Comment: This variant was observed in the ICSL laboratory as part of a predisposition screen in an ostensibly healthy population. It had not been previously curated by ICSL or reported in the Human Gene Mutation Database (HGMD: prior to June 1st, 2018), and was therefore a candidate for classification through an automated scoring system. Utilizing variant allele frequency, disease prevalence and penetrance estimates, and inheritance mode, an automated score was calculated to assess if this variant is too frequent to cause the disease. Based on the score and internal cut-off values, a variant classified as benign is not then subjected to further curation. The score for this variant resulted in a classification of benign for this disease.

Clinical Genetics DNA and cytogenetics Diagnostics Lab, Erasmus MC, Erasmus Medical Center
Classification: Benign for Microcephaly 5, primary, autosomal recessive. Last evaluated: 2017-05-31. Review status: criteria provided, single submitter. Criteria: ACGS Guidelines, 2013. Collection method: clinical testing. Allele origin: germline. Affected: yes. Study: VKGL Data-share Consensus.

Eurofins Ntd Llc (ga)
Classification: Benign. Last evaluated: 2015-07-07. Review status: criteria provided, single submitter. Criteria: EGL Classification Definitions 2015. Collection method: clinical testing. Allele origin: germline. Observed: 17 variant alleles, 1 heterozygote, 16 homozygotes.

GeneDx
Classification: Benign. Last evaluated: 2015-03-03. Review status: criteria provided, single submitter. Criteria: GeneDx Variant Classification Process June 2021. Collection method: clinical testing. Allele origin: germline. Affected: yes.

Genetic Services Laboratory, University of Chicago
Classification: Likely benign. Last evaluated: 2013-02-07. Review status: criteria provided, single submitter. Criteria: ACMG Guidelines, 2007. Collection method: clinical testing. Allele origin: germline. Inheritance: Autosomal recessive inheritance.
Comment: Likely benign based on allele frequency in 1000 Genomes Project or ESP global frequency and its presence in a patient with a rare or unrelated disease phenotype. NOT Sanger confirmed

Breakthrough Genomics
Classification: Likely benign. Review status: criteria provided, single submitter. Criteria: ACMG Guidelines, 2015. Collection method: not provided. Allele origin: germline. Inheritance: Autosomal recessive inheritance. Affected: yes.

PreventionGenetics, part of Exact Sciences
Classification: Benign. Review status: criteria provided, single submitter. Criteria: ACMG Guidelines, 2015. Collection method: clinical testing. Allele origin: germline.

Diagnostic Laboratory, Department of Genetics, University Medical Center Groningen
Classification: Benign for Microcephaly 5, primary, autosomal recessive. Review status: no assertion criteria provided. Collection method: clinical testing. Allele origin: germline. Affected: yes. Study: VKGL Data-share Consensus. Not counted in ClinVar's aggregate classification.

Joint Genome Diagnostic Labs from Nijmegen and Maastricht, Radboudumc and MUMC+
Classification: Benign. Review status: no assertion criteria provided. Collection method: clinical testing. Allele origin: germline. Affected: yes. Study: VKGL Data-share Consensus. Not counted in ClinVar's aggregate classification.